The following is an entry in ClinVar:

ClinVar aggregate classification (germline): Likely pathogenic (1 of 4 stars; one submission).

Conditions:
SLC38A8-related disorder. Also called: SLC38A8-related condition.

gnomAD v4.1: 2 of 1,614,030 alleles (0.00012%); highest among the groups gnomAD compares: South Asian, 0.0022%; no homozygotes.

Submission:

PreventionGenetics, part of Exact Sciences
Classification: Likely pathogenic for SLC38A8-related condition. Last evaluated: 2024-10-23. Review status: criteria provided, single submitter. Criteria: ACMG Guidelines, 2015. Collection method: clinical testing. Allele origin: germline.
Comment: The SLC38A8 c.626C>G variant is predicted to result in premature protein termination (p.Ser209*). To our knowledge, this variant has not been reported in the literature in individuals with SLC38A8-related disease. This variant is present in 0.0033% of alleles in individuals of South Asian descent in gnomAD. Nonsense variants in SLC38A8 are an established mechanism of disease. This variant is interpreted as likely pathogenic.

NM_001080442.3(SLC38A8):c.626C>G (p.Ser209Ter)

Gene: SLC38A8 (solute carrier family 38 member 8; minus strand). Cytogenetic location: 16q23.3.
Variant type: single nucleotide variant.
Coding change: c.626C>G on transcript NM_001080442.3 (MANE Select); coding-DNA position 626, C replaced by G.
Protein change: p.Ser209Ter; replaces serine 209 with a stop codon.
Molecular consequence: nonsense.
Genome position (GRCh38, 1-based): chr16:84,031,873, G>C on the plus strand (C>G on the coding strand, the complement: SLC38A8 is on the minus strand). VCF-style: chr16-84031873-G-C. GRCh37 (hg19) VCF-style: chr16-84065478-G-C.
Other names: short protein forms S209*.
Identifiers: ClinVar variation 4997326 (VCV004997326.1).